The following is an entry in ClinVar:

ClinVar aggregate classification (germline): Pathogenic (1 of 4 stars; one submission).

Conditions:
Insulin-resistant diabetes mellitus AND acanthosis nigricans. Also called: type A insulin resistance; DIABETES MELLITUS, INSULIN-RESISTANT, WITH ACANTHOSIS NIGRICANS, TYPE A; INSULIN RECEPTOR, DEFECT IN, WITH INSULIN-RESISTANT DIABETES MELLITUS AND ACANTHOSIS NIGRICANS; IRAN, TYPE A; Insulin-resistance syndrome type A. Identifiers: Orphanet 2297, MedGen C0342278, MONDO:0012520, OMIM 610549.

Submission:

Department of Traditional Chinese Medicine, Fujian Provincial Hospital
Classification: Pathogenic for Insulin-resistant diabetes mellitus AND acanthosis nigricans. Review status: criteria provided, single submitter. Criteria: ACMG Guidelines, 2015. Collection method: research. Allele origin: inherited.
Comment: Initially, this variant was classified as "Likely Pathogenic" based on the American College of Medical Genetics and Genomics (ACMG) guidelines with evidence codes PS2 (De novo in a patient with the disease and no family history), PM2 Supporting (Absent from controls in Exome Sequencing Project, 1000 Genomes or ExAC), and PP3 (Multiple lines of computational evidence support a deleterious effect on the gene or gene product). However, in our recent study, we have gathered additional functional data that further supports upgrading its classification to "Pathogenic." Our findings include the following: SWISS-MODEL predictions indicate that the p.V1245E mutation alters the three-dimensional conformation of the INSR protein, potentially impairing its normal function. RT-qPCR analysis revealed a significant decrease in INSR mRNA expression levels in the proband. In a lentivirus-transfected 293T cell model expressing p.V1245E, Western Blot and RT-qPCR results demonstrated reduced expression of both INSR mRNA and protein. Immunofluorescence assays further confirmed decreased INSR protein expression and altered cellular localization. Based on these results, we believe the evidence now meets the criteria for upgrading the variant’s pathogenicity classification to "Pathogenic" according to ACMG guidelines.

NM_000208.4(INSR):c.3734T>A (p.Val1245Glu)

Gene: INSR (insulin receptor; minus strand). Cytogenetic location: 19p13.2.
Variant type: single nucleotide variant.
Coding change: c.3734T>A on transcript NM_000208.4 (MANE Select); coding-DNA position 3734, T replaced by A.
Protein change: p.Val1245Glu; replaces valine 1245 with glutamic acid.
Molecular consequence: missense variant.
Genome position (GRCh38, 1-based): chr19:7,119,509, A>T on the plus strand (T>A on the coding strand, the complement: INSR is on the minus strand). VCF-style: chr19-7119509-A-T. GRCh37 (hg19) VCF-style: chr19-7119520-A-T.
Other names: c.3698T>A, p.Val1233Glu (NM_001079817.3); short protein forms V1233E, V1245E.
Identifiers: ClinVar variation 4073618 (VCV004073618.2).
Genomic context (GRCh38, chr19:7,119,509, plus strand): 5'-ACTCTCTCTGGACAGTTGTCGGGTTGATCCAGATACCCTCCATCCATGACAAATTTCAAC[A>T]CCTGTTCATTAGACAGGCCTTGGTAAGGCTGTTCTGCCAAGCTGGTGATTTCCCAAAGGA-3'
Protein context (NP_000199.2, residues 1235-1255): QPYQGLSNEQ[Val1245Glu]LKFVMDGGYL